The following is an entry in ClinVar:

ClinVar aggregate classification (germline): Uncertain significance (1 of 4 stars; one submission).

Conditions:
Thrombophilia due to protein C deficiency, autosomal dominant. Also called: PROC DEFICIENCY, AUTOSOMAL DOMINANT; PROTEIN C DEFICIENCY, AUTOSOMAL DOMINANT. Identifiers: Orphanet 745, MedGen C2674321, MONDO:0008316, OMIM 176860. Disease mechanism: loss of function.

Allele frequency attached by ClinVar (database versions not stated): TOPMed below 0.00001; ExAC 0.00003.
gnomAD v4.1: 1 of 1,598,776 alleles (0.000063%); highest among the groups gnomAD compares: Non-Finnish European, 0.000085%; no homozygotes.

Submission:

Labcorp Genetics (formerly Invitae), Labcorp
Classification: Uncertain significance for Thrombophilia due to protein C deficiency, autosomal dominant. Last evaluated: 2022-01-15. Review status: criteria provided, single submitter. Criteria: Invitae Variant Classification Sherloc (09022015). Collection method: clinical testing. Allele origin: germline.
Comment: Variants that disrupt the consensus splice site are a relatively common cause of aberrant splicing (PMID: 17576681, 9536098). Studies have shown that this variant is associated with altered splicing, but the impact on the resulting protein product is unknown (PMID: 10942114). In summary, the available evidence is currently insufficient to determine the role of this variant in disease. Therefore, it has been classified as a Variant of Uncertain Significance. This variant has been observed in individual(s) with protein C deficiency (PMID: 10942114). This variant is present in population databases (rs770241629, gnomAD 0.001%). This sequence change falls in intron 4 of the PROC gene. It does not directly change the encoded amino acid sequence of the PROC protein. It affects a nucleotide within the consensus splice site.

Literature cited by the submitters: PubMed 17576681; PubMed 9536098; PubMed 10942114.

NM_000312.4(PROC):c.262+6T>G

Gene: PROC (protein C, inactivator of coagulation factors Va and VIIIa; plus strand). Cytogenetic location: 2q14.3.
Variant type: single nucleotide variant.
Coding change: c.262+6T>G on transcript NM_000312.4 (MANE Select); 6 bases into the intron after coding-DNA position 262, T replaced by G.
Molecular consequence: intron variant. On other transcripts: missense variant (1).
Genome position (GRCh38, 1-based): chr2:127,422,947, T>G. VCF-style: chr2-127422947-T-G. GRCh37 (hg19) VCF-style: chr2-128180523-T-G.
Other names: c.331T>G, p.Cys111Gly (NM_001375606.1); c.262+6T>G (NM_001375611.1, NM_001375605.1, NM_001375608.1 and 1 more transcripts); c.445+6T>G (NM_001375602.1); c.346+6T>G (NM_001375607.1); c.256+6T>G (NM_001375610.1); c.325+6T>G (NM_001375603.1, NM_001375604.1); c.238+6T>G (NM_001375609.1); short protein forms C111G.
Identifiers: ClinVar variation 2203143 (VCV002203143.4), dbSNP rs770241629, ClinGen allele CA1859285.